The following is an entry in ClinVar:

NM_017934.7(PHIP):c.1109G>A (p.Ser370Asn)

Gene: PHIP (PHIP subunit of CUL4-Ring ligase complex; minus strand). Cytogenetic location: 6q14.1.
Variant type: single nucleotide variant.
Coding change: c.1109G>A on transcript NM_017934.7 (MANE Select); coding-DNA position 1109, G replaced by A.
Protein change: p.Ser370Asn; replaces serine 370 with asparagine.
Molecular consequence: missense variant.
Genome position (GRCh38, 1-based): chr6:79,017,373, C>T on the plus strand (G>A on the coding strand, the complement: PHIP is on the minus strand). VCF-style: chr6-79017373-C-T. GRCh37 (hg19) VCF-style: chr6-79727090-C-T.
Other names: short protein forms S370N.
Identifiers: ClinVar variation 4992477 (VCV004992477.1).

ClinVar aggregate classification (germline): Uncertain significance (1 of 4 stars; one submission).

Conditions:
PHIP-related disorder. Also called: PHIP-related disorders; PHIP-related condition.

Submission:

PreventionGenetics, part of Exact Sciences
Classification: Uncertain significance for PHIP-related condition. Last evaluated: 2026-03-31. Review status: criteria provided, single submitter. Criteria: ACMG Guidelines, 2015. Collection method: clinical testing. Allele origin: germline.
Comment: The PHIP c.1109G>A variant is predicted to result in the amino acid substitution p.Ser370Asn. To our knowledge, this variant has not been reported in the literature or in a large population database (gnomAD), indicating this variant is rare. At this time, the clinical significance of this variant is uncertain due to the absence of conclusive functional and genetic evidence.